The following is an entry in ClinVar:

NM_199420.4(POLQ):c.3380C>A (p.Thr1127Lys)

Gene: POLQ (DNA polymerase theta; minus strand). Cytogenetic location: 3q13.33.
Variant type: single nucleotide variant.
Coding change: c.3380C>A on transcript NM_199420.4 (MANE Select); coding-DNA position 3380, C replaced by A.
Protein change: p.Thr1127Lys; replaces threonine 1127 with lysine.
Molecular consequence: missense variant.
Genome position (GRCh38, 1-based): chr3:121,489,551, G>T on the plus strand (C>A on the coding strand, the complement: POLQ is on the minus strand). VCF-style: chr3-121489551-G-T. GRCh37 (hg19) VCF-style: chr3-121208398-G-T.
Other names: short protein forms T1127K.
Identifiers: ClinVar variation 1730820 (VCV001730820.2), dbSNP rs2546787448, ClinGen allele CA354100362.

ClinVar aggregate classification (germline): Uncertain significance (1 of 4 stars; one submission).

Submission:

Ambry Genetics
Classification: Uncertain significance. Last evaluated: 2022-03-31. Review status: criteria provided, single submitter. Criteria: Ambry Variant Classification Scheme 2023. Collection method: clinical testing. Allele origin: germline.
Comment: The p.T1127K variant (also known as c.3380C>A), located in coding exon 16 of the POLQ gene, results from a C to A substitution at nucleotide position 3380. The threonine at codon 1127 is replaced by lysine, an amino acid with similar properties. This amino acid position is conserved. In addition, this alteration is predicted to be tolerated by in silico analysis. Since supporting evidence is limited at this time, the clinical significance of this alteration remains unclear.